The following is an entry in ClinVar:

ClinVar aggregate classification (germline): Uncertain significance. Review status: criteria provided, multiple submitters, no conflicts (2 of 4 stars). 2 submissions from 2 submitters: Uncertain significance (2). Last evaluated 2022-10-26.

Conditions:
Epileptic encephalopathy. Identifiers: MedGen C0543888, HP:0200134.

Allele frequency attached by ClinVar (database versions not stated): gnomAD exomes 0.00001; TOPMed 0.00001.
gnomAD v4.1: 8 of 1,596,066 alleles (0.0005%); highest among the groups gnomAD compares: Non-Finnish European, 0.00068%; no homozygotes.

Submissions (2):

Ambry Genetics
Classification: Uncertain significance. Last evaluated: 2022-10-26. Review status: criteria provided, single submitter. Criteria: Ambry Variant Classification Scheme 2023. Collection method: clinical testing. Allele origin: germline.

Labcorp Genetics (formerly Invitae), Labcorp
Classification: Uncertain significance for Epileptic encephalopathy. Last evaluated: 2020-07-02. Review status: criteria provided, single submitter. Criteria: Invitae Variant Classification Sherloc (09022015). Collection method: clinical testing. Allele origin: germline.
Comment: In summary, the available evidence is currently insufficient to determine the role of this variant in disease. Therefore, it has been classified as a Variant of Uncertain Significance. Algorithms developed to predict the effect of sequence changes on RNA splicing suggest that this variant may create or strengthen a splice site, but this prediction has not been confirmed by published transcriptional studies. Algorithms developed to predict the effect of missense changes on protein structure and function are either unavailable or do not agree on the potential impact of this missense change (SIFT: "Deleterious"; PolyPhen-2: "Possibly Damaging"; Align-GVGD: "Class C0"). This variant has not been reported in the literature in individuals with RYR3-related conditions. This variant is not present in population databases (ExAC no frequency). This sequence change replaces glutamic acid with valine at codon 3610 of the RYR3 protein (p.Glu3610Val). The glutamic acid residue is highly conserved and there is a moderate physicochemical difference between glutamic acid and valine.

NM_001036.6(RYR3):c.10829A>T (p.Glu3610Val)

Gene: RYR3 (ryanodine receptor 3; plus strand). Cytogenetic location: 15q14.
Variant type: single nucleotide variant.
Coding change: c.10829A>T on transcript NM_001036.6 (MANE Select); coding-DNA position 10829, A replaced by T.
Protein change: p.Glu3610Val; replaces glutamic acid 3610 with valine.
Molecular consequence: missense variant.
Genome position (GRCh38, 1-based): chr15:33,821,283, A>T. VCF-style: chr15-33821283-A-T. GRCh37 (hg19) VCF-style: chr15-34113484-A-T.
Other names: c.10814A>T, p.Glu3605Val (NM_001243996.4); c.10829A>T (NM_001036.3); short protein forms E3605V, E3610V.
Identifiers: ClinVar variation 1022545 (VCV001022545.9), dbSNP rs1316205507, ClinGen allele CA391586695.